The following is an entry in ClinVar:

NM_001145026.2(PTPRQ):c.1665A>G (p.Gly555=)

Gene: PTPRQ (protein tyrosine phosphatase receptor type Q; plus strand). Cytogenetic location: 12q21.31.
Variant type: single nucleotide variant.
Coding change: c.1665A>G on transcript NM_001145026.2 (MANE Select); coding-DNA position 1665, A replaced by G.
Protein change: p.Gly555=; no amino-acid change (glycine 555 retained).
Molecular consequence: synonymous variant.
Genome position (GRCh38, 1-based): chr12:80,495,057, A>G. VCF-style: chr12-80495057-A-G. GRCh37 (hg19) VCF-style: chr12-80888836-A-G.
Identifiers: ClinVar variation 4527520 (VCV004527520.1).

ClinVar aggregate classification (germline): Uncertain significance (1 of 4 stars; one submission).

gnomAD v4.1: 15 of 1,550,430 alleles (0.00097%); highest among the groups gnomAD compares: African/African-American, 0.019%; no homozygotes.

Submission:

GeneDx
Classification: Uncertain significance. Last evaluated: 2025-05-02. Review status: criteria provided, single submitter. Criteria: GeneDx Variant Classification Process June 2021. Collection method: clinical testing. Allele origin: germline. Affected: yes.
Comment: In silico analysis suggests that this variant does not alter splicing; Has not been previously published as pathogenic or benign to our knowledge